The following is an entry in ClinVar:

ClinVar aggregate classification (germline): Pathogenic. Review status: criteria provided, multiple submitters, no conflicts (2 of 4 stars). 2 submissions from 2 submitters: Pathogenic (2). Last evaluated 2022-10-20.

Conditions:
Hereditary spastic paraplegia 11. Also called: Nakamura Osame syndrome; Autosomal recessive hereditary spastic paraplegia, mental impairment, and thin corpus callosum; SPASTIC PARAPLEGIA, AUTOSOMAL RECESSIVE, COMPLICATED, WITH THIN CORPUS CALLOSUM; SPASTIC PARAPLEGIA, AUTOSOMAL RECESSIVE, WITH MENTAL IMPAIRMENT AND THIN CORPUS CALLOSUM; Spastic Paraplegia 11; Spastic paraplegia, mental retardation and thin corpus callosum. Identifiers: Orphanet 2822, MedGen C1858479, MONDO:0011445, OMIM 604360.
Inborn genetic diseases. Identifiers: MedGen C0950123, MeSH D030342.

Submissions (2):

Labcorp Genetics (formerly Invitae), Labcorp
Classification: Pathogenic for Hereditary spastic paraplegia 11. Last evaluated: 2022-10-20. Review status: criteria provided, single submitter. Criteria: Invitae Variant Classification Sherloc (09022015). Collection method: clinical testing. Allele origin: germline.
Comment: For these reasons, this variant has been classified as Pathogenic. This variant has not been reported in the literature in individuals affected with SPG11-related conditions. This variant is not present in population databases (gnomAD no frequency). This sequence change creates a premature translational stop signal (p.Trp384*) in the SPG11 gene. It is expected to result in an absent or disrupted protein product. Loss-of-function variants in SPG11 are known to be pathogenic (PMID: 19105190, 20110243, 22154821, 26556829).

Ambry Genetics
Classification: Pathogenic for Inborn genetic diseases. Last evaluated: 2021-07-06. Review status: criteria provided, single submitter. Criteria: Ambry Variant Classification Scheme 2023. Collection method: clinical testing. Allele origin: germline.
Comment: The c.1151G>A (p.W384*) alteration, located in exon 6 (coding exon 6) of the SPG11 gene, consists of a G to A substitution at nucleotide position 1151. This changes the amino acid from a tryptophan (W) to a stop codon at amino acid position 384. This alteration is expected to result in loss of function by premature protein truncation or nonsense-mediated mRNA decay. Based on data from the Genome Aggregation Database (gnomAD), the SPG11 c.1151G>A alteration was not observed, with coverage at this position. Based on the available evidence, this alteration is classified as pathogenic.

Literature cited by the submitters: PubMed 19105190 (cited by Labcorp Genetics (formerly Invitae), Labcorp); PubMed 20110243 (cited by Labcorp Genetics (formerly Invitae), Labcorp); PubMed 22154821 (cited by Labcorp Genetics (formerly Invitae), Labcorp); PubMed 26556829 (cited by Labcorp Genetics (formerly Invitae), Labcorp).

NM_025137.4(SPG11):c.1151G>A (p.Trp384Ter)

Gene: SPG11 (SPG11 vesicle trafficking associated, spatacsin; minus strand). Cytogenetic location: 15q21.1.
Variant type: single nucleotide variant.
Coding change: c.1151G>A on transcript NM_025137.4 (MANE Select); coding-DNA position 1151, G replaced by A.
Protein change: p.Trp384Ter; replaces tryptophan 384 with a stop codon.
Molecular consequence: nonsense.
Genome position (GRCh38, 1-based): chr15:44,651,796, C>T on the plus strand (G>A on the coding strand, the complement: SPG11 is on the minus strand). VCF-style: chr15-44651796-C-T. GRCh37 (hg19) VCF-style: chr15-44943994-C-T.
Other names: c.1151G>A, p.Trp384Ter (NM_001160227.2, NM_001411132.1); short protein forms W384*.
Identifiers: ClinVar variation 1734200 (VCV001734200.8), dbSNP rs2505727696, ClinGen allele CA392236478.
Genomic context (GRCh38, chr15:44,651,796, plus strand): 5'-GCATGATCTTTCTGTAGAACATTATATTGCCCATGCATTATGTCCTGTGGAATGAAGGCC[C>T]AGCTCTGCACACTTGTACTGTGGTTACCAGATTCAGGTGACTCCAAATGCAAAATATCCT-3'